The following is an entry in ClinVar:

NM_005068.3(SIM1):c.259-6C>A

Gene: SIM1 (SIM bHLH transcription factor 1; minus strand). Cytogenetic location: 6q16.3.
Variant type: single nucleotide variant.
Coding change: c.259-6C>A on transcript NM_005068.3 (MANE Select); 6 bases into the intron before coding-DNA position 259, C replaced by A.
Molecular consequence: intron variant.
Genome position (GRCh38, 1-based): chr6:100,450,362, G>T on the plus strand (C>A on the coding strand, the complement: SIM1 is on the minus strand). VCF-style: chr6-100450362-G-T. GRCh37 (hg19) VCF-style: chr6-100898238-G-T.
Other names: c.259-6C>A (NM_001374769.1).
Identifiers: ClinVar variation 3372388 (VCV003372388.2).
Genomic context (GRCh38, chr6:100,450,362, plus strand): 5'-AGATGTACATGATCTTCCCATCTGGGGCTACCACGAAGATGAAGCCATCCAGGGTCTGGG[G>T]AGGCACAAATAGAGAGAATAGAGAGCCCTCTGGGCCATCTGGAGAAATGGGAGCAGGAGG-3'

ClinVar aggregate classification (germline): Uncertain significance (1 of 4 stars; one submission).

gnomAD v4.1: 1 of 1,613,662 alleles (0.000062%); highest among the groups gnomAD compares: Non-Finnish European, 0.000085%; no homozygotes.

Submission:

GeneDx
Classification: Uncertain significance. Last evaluated: 2025-06-26. Review status: criteria provided, single submitter. Criteria: GeneDx Variant Classification Process June 2021. Collection method: clinical testing. Allele origin: germline. Affected: yes.
Comment: Not observed at significant frequency in large population cohorts (gnomAD); In silico analysis supports a deleterious effect on splicing; Has not been previously published as pathogenic or benign to our knowledge